The following is an entry in ClinVar:

NM_032242.4(PLXNA1):c.3924C>T (p.His1308=)

Gene: PLXNA1 (plexin A1; plus strand). Cytogenetic location: 3q21.3.
Variant type: single nucleotide variant.
Coding change: c.3924C>T on transcript NM_032242.4 (MANE Select); coding-DNA position 3924, C replaced by T.
Protein change: p.His1308=; no amino-acid change (histidine 1308 retained).
Molecular consequence: synonymous variant.
Genome position (GRCh38, 1-based): chr3:127,020,230, C>T. VCF-style: chr3-127020230-C-T. GRCh37 (hg19) VCF-style: chr3-126739073-C-T.
Identifiers: ClinVar variation 721899 (VCV000721899.22), dbSNP rs532069081, ClinGen allele CA2594193.

ClinVar aggregate classification (germline): Benign/Likely benign. Review status: criteria provided, multiple submitters, no conflicts (2 of 4 stars). 4 submissions from 4 submitters: Benign (1); Likely benign (2). 1 of the submissions does not count toward it. Last evaluated 2025-05-01.

Conditions:
PLXNA1-related disorder. Also called: PLXNA1-related condition.

Allele frequency attached by ClinVar (database versions not stated): gnomAD 0.00010 and 0.00017; gnomAD exomes 0.00013 and 0.00030; TOPMed 0.00019; ExAC 0.00026; 1000 Genomes Project 30x 0.00094; 1000 Genomes Project 0.00100.
gnomAD v4.1: 233 of 1,613,170 alleles (0.014%); highest among the groups gnomAD compares: East Asian, 0.26%; 2 homozygotes.

Submissions (4):

CeGaT Center for Human Genetics Tuebingen
Classification: Likely benign. Last evaluated: 2025-05-01. Review status: criteria provided, single submitter. Criteria: CeGaT Center For Human Genetics Tuebingen Variant Classification Criteria Version 2. Collection method: clinical testing. Allele origin: germline. Affected: yes. Observed: 1 variant allele.
Comment: PLXNA1: BP4, BP7

Blueprint Genetics
Classification: Likely benign. Last evaluated: 2024-05-08. Review status: criteria provided, single submitter. Criteria: ACMG Guidelines, 2015. Collection method: clinical testing. Allele origin: germline.

Labcorp Genetics (formerly Invitae), Labcorp
Classification: Benign. Last evaluated: 2024-03-21. Review status: criteria provided, single submitter. Criteria: Invitae Variant Classification Sherloc (09022015). Collection method: clinical testing. Allele origin: germline.

PreventionGenetics, part of Exact Sciences
Classification: Likely benign for PLXNA1-related condition. Last evaluated: 2019-05-28. Review status: no assertion criteria provided. Collection method: clinical testing. Allele origin: germline. Not counted in ClinVar's aggregate classification.
Comment: This variant is classified as likely benign based on ACMG/AMP sequence variant interpretation guidelines (Richards et al. 2015 PMID: 25741868, with internal and published modifications).